The following is an entry in ClinVar:

ClinVar aggregate classification (germline): Uncertain significance (1 of 4 stars; one submission).

Conditions:
Primary ciliary dyskinesia. Also called: Ciliary dyskinesia. Identifiers: Orphanet 244, MedGen C0008780, MONDO:0016575, HP:0012265.

Allele frequency attached by ClinVar (database versions not stated): TOPMed below 0.00001; gnomAD 0.00001; gnomAD exomes 0.00001.
gnomAD v4.1: 9 of 1,571,188 alleles (0.00057%); highest among the groups gnomAD compares: Middle Eastern, 0.017%; no homozygotes.

Submission:

Labcorp Genetics (formerly Invitae), Labcorp
Classification: Uncertain significance for Primary ciliary dyskinesia. Last evaluated: 2020-10-30. Review status: criteria provided, single submitter. Criteria: Invitae Variant Classification Sherloc (09022015). Collection method: clinical testing. Allele origin: germline.
Comment: In summary, the available evidence is currently insufficient to determine the role of this variant in disease. Therefore, it has been classified as a Variant of Uncertain Significance. Algorithms developed to predict the effect of missense changes on protein structure and function are either unavailable or do not agree on the potential impact of this missense change (SIFT: "Deleterious"; PolyPhen-2: "Not Available"; Align-GVGD: "Class C0"). This variant has not been reported in the literature in individuals with DNAH8-related conditions. This variant is not present in population databases (ExAC no frequency). This sequence change replaces asparagine with histidine at codon 293 of the DNAH8 protein (p.Asn293His). The asparagine residue is moderately conserved and there is a small physicochemical difference between asparagine and histidine.

NM_001206927.2(DNAH8):c.877A>C (p.Asn293His)

Gene: DNAH8 (dynein axonemal heavy chain 8; plus strand). Cytogenetic location: 6p21.2.
Variant type: single nucleotide variant.
Coding change: c.877A>C on transcript NM_001206927.2 (MANE Select); coding-DNA position 877, A replaced by C.
Protein change: p.Asn293His; replaces asparagine 293 with histidine.
Molecular consequence: missense variant.
Genome position (GRCh38, 1-based): chr6:38,737,181, A>C. VCF-style: chr6-38737181-A-C. GRCh37 (hg19) VCF-style: chr6-38704957-A-C.
Other names: c.226A>C, p.Asn76His (NM_001371.4); short protein forms N293H, N76H.
Identifiers: ClinVar variation 1062231 (VCV001062231.9), dbSNP rs971110651, ClinGen allele CA137573788.